The following is an entry in ClinVar:

NM_000553.6(WRN):c.3506A>G (p.Asn1169Ser)

Gene: WRN (WRN RecQ like helicase; plus strand). Cytogenetic location: 8p12.
Variant type: single nucleotide variant.
Coding change: c.3506A>G on transcript NM_000553.6 (MANE Select); coding-DNA position 3506, A replaced by G.
Protein change: p.Asn1169Ser; replaces asparagine 1169 with serine.
Molecular consequence: missense variant.
Genome position (GRCh38, 1-based): chr8:31,147,410, A>G. VCF-style: chr8-31147410-A-G. GRCh37 (hg19) VCF-style: chr8-31004926-A-G.
Other names: short protein forms N1169S.
Identifiers: ClinVar variation 135434 (VCV000135434.8), dbSNP rs587778750, ClinGen allele CA162752.

ClinVar aggregate classification (germline): Uncertain significance. Review status: criteria provided, single submitter (1 of 4 stars). 2 submissions from 2 submitters: Uncertain significance (1). 1 of the submissions does not count toward it. Last evaluated 2022-10-03.

Conditions:
Werner syndrome (WRN). Identifiers: Orphanet 902, MedGen C0043119, MONDO:0010196, OMIM 277700.

Allele frequency attached by ClinVar (database versions not stated): gnomAD exomes below 0.00001.
gnomAD v4.1: 1 of 1,614,136 alleles (0.000062%); highest among the groups gnomAD compares: Non-Finnish European, 0.000085%; no homozygotes.

Submissions (2):

Labcorp Genetics (formerly Invitae), Labcorp
Classification: Uncertain significance for Werner syndrome. Last evaluated: 2022-10-03. Review status: criteria provided, single submitter. Criteria: Invitae Variant Classification Sherloc (09022015). Collection method: clinical testing. Allele origin: germline.
Comment: Algorithms developed to predict the effect of missense changes on protein structure and function output the following: SIFT: "Not Available"; PolyPhen-2: "Benign"; Align-GVGD: "Not Available". The serine amino acid residue is found in multiple mammalian species, which suggests that this missense change does not adversely affect protein function. ClinVar contains an entry for this variant (Variation ID: 135434). This variant has not been reported in the literature in individuals affected with WRN-related conditions. This variant is not present in population databases (gnomAD no frequency). This sequence change replaces asparagine, which is neutral and polar, with serine, which is neutral and polar, at codon 1169 of the WRN protein (p.Asn1169Ser). In summary, the available evidence is currently insufficient to determine the role of this variant in disease. Therefore, it has been classified as a Variant of Uncertain Significance.

ITMI
No classification provided. Condition: AllHighlyPenetrant. Last evaluated: 2013-09-19. Review status: no classification provided. Collection method: reference population. Allele origin: germline. Not counted in ClinVar's aggregate classification.
Comment: Please see associated publication for description of ethnicities

Literature cited by the submitters: PubMed 24728327 (cited by ITMI).